The following is an entry in ClinVar:

ClinVar aggregate classification (germline): Likely benign (1 of 4 stars; one submission).

Conditions:
RPS6KA3-related disorder. Also called: RPS6KA3-related condition.

gnomAD v4.1: 2 of 1,210,294 alleles (0.00017%); highest among the groups gnomAD compares: Non-Finnish European, 0.00022%; no homozygotes.

Submission:

PreventionGenetics, part of Exact Sciences
Classification: Likely benign for RPS6KA3-related condition. Last evaluated: 2026-02-17. Review status: criteria provided, single submitter. Criteria: ACMG Guidelines, 2015. Collection method: clinical testing. Allele origin: germline.
Comment: This variant is classified as likely benign based on ACMG/AMP sequence variant interpretation guidelines (Richards et al. 2015 PMID: 25741868, with internal and published modifications).

NM_004586.3(RPS6KA3):c.2185C>A (p.Arg729=)

Gene: RPS6KA3 (ribosomal protein S6 kinase A3; minus strand). Cytogenetic location: Xp22.12.
Variant type: single nucleotide variant.
Coding change: c.2185C>A on transcript NM_004586.3 (MANE Select); coding-DNA position 2185, C replaced by A.
Protein change: p.Arg729=; no amino-acid change (arginine 729 retained).
Molecular consequence: synonymous variant.
Genome position (GRCh38, 1-based): chrX:20,155,436, G>T on the plus strand (C>A on the coding strand, the complement: RPS6KA3 is on the minus strand). VCF-style: chrX-20155436-G-T. GRCh37 (hg19) VCF-style: chrX-20173554-G-T.
Other names: c.2101C>A, p.Arg701= (NM_001438340.1).
Identifiers: ClinVar variation 4986662 (VCV004986662.1).
Genomic context (GRCh38, chrX:20,155,436, plus strand): 5'-CAAATATCTCACTGAGGTCACTTCACAGGGCTGTTGAGGTGATTTTTTTAATACCTCTCC[G>T]CTGAGCAAGAGTAGAGCGGCCTACTGGTTCCAAAACTGGTGACTGATTACGGTTCAAAGC-3'
Protein context (NP_004577.1, residues 719-739): EPVGRSTLAQ[Arg729=]RGIKKITSTA